The following is an entry in ClinVar:

ClinVar aggregate classification (germline): Uncertain significance. Review status: criteria provided, multiple submitters, no conflicts (2 of 4 stars). 2 submissions from 2 submitters: Uncertain significance (2). Last evaluated 2024-02-28.

Conditions:
Van Maldergem syndrome 2 (VMLDS2). Identifiers: Orphanet 314679, MedGen C3809875, MONDO:0014242, OMIM 615546.
Hennekam lymphangiectasia-lymphedema syndrome 2 (HKLLS2). Identifiers: Orphanet 2136, MedGen C4014939, MONDO:0014454, OMIM 616006.

Allele frequency attached by ClinVar (database versions not stated): gnomAD exomes below 0.00001; TOPMed 0.00001.
gnomAD v4.1: 8 of 1,614,230 alleles (0.0005%); highest among the groups gnomAD compares: Non-Finnish European, 0.00059%; no homozygotes.

Submissions (2):

Fulgent Genetics
Classification: Uncertain significance for Van Maldergem syndrome 2; Hennekam lymphangiectasia-lymphedema syndrome 2. Last evaluated: 2024-02-28. Review status: criteria provided, single submitter. Criteria: ACMG Guidelines, 2015. Collection method: clinical testing. Allele origin: germline.

Labcorp Genetics (formerly Invitae), Labcorp
Classification: Uncertain significance. Last evaluated: 2021-10-25. Review status: criteria provided, single submitter. Criteria: Invitae Variant Classification Sherloc (09022015). Collection method: clinical testing. Allele origin: germline.
Comment: This sequence change replaces alanine with valine at codon 3747 of the FAT4 protein (p.Ala3747Val). The alanine residue is highly conserved and there is a small physicochemical difference between alanine and valine. This variant is not present in population databases (ExAC no frequency). This variant has not been reported in the literature in individuals affected with FAT4-related conditions. Advanced modeling of protein sequence and biophysical properties (such as structural, functional, and spatial information, amino acid conservation, physicochemical variation, residue mobility, and thermodynamic stability) performed at Invitae indicates that this missense variant is not expected to disrupt FAT4 protein function. In summary, the available evidence is currently insufficient to determine the role of this variant in disease. Therefore, it has been classified as a Variant of Uncertain Significance.

NM_001291303.3(FAT4):c.11246C>T (p.Ala3749Val)

Gene: FAT4 (FAT atypical cadherin 4; plus strand). Cytogenetic location: 4q28.1.
Variant type: single nucleotide variant.
Coding change: c.11246C>T on transcript NM_001291303.3 (MANE Select); coding-DNA position 11246, C replaced by T.
Protein change: p.Ala3749Val; replaces alanine 3749 with valine.
Molecular consequence: missense variant.
Genome position (GRCh38, 1-based): chr4:125,452,256, C>T. VCF-style: chr4-125452256-C-T. GRCh37 (hg19) VCF-style: chr4-126373411-C-T.
Other names: c.11246C>T, p.Ala3749Val (NM_001291285.3); c.11240C>T, p.Ala3747Val (NM_024582.6); c.11240C>T (NM_024582.5); short protein forms A3749V, A3747V.
Identifiers: ClinVar variation 1372683 (VCV001372683.4), dbSNP rs1056083552, ClinGen allele CA104883031.